The following is an entry in ClinVar:

ClinVar aggregate classification (germline): Likely benign (1 of 4 stars; one submission).

gnomAD v4.1: 21 of 1,601,730 alleles (0.0013%); highest among the groups gnomAD compares: South Asian, 0.021%; 1 homozygote.

Submission:

CeGaT Center for Human Genetics Tuebingen
Classification: Likely benign. Last evaluated: 2024-12-01. Review status: criteria provided, single submitter. Criteria: CeGaT Center For Human Genetics Tuebingen Variant Classification Criteria Version 2. Collection method: clinical testing. Allele origin: germline. Affected: yes. Observed: 1 variant allele.
Comment: TGIF1: BP4, BP7

NM_003244.4(TGIF1):c.783T>C (p.Ala261=)

Gene: TGIF1 (TGFB induced factor homeobox 1; plus strand). Cytogenetic location: 18p11.31.
Variant type: single nucleotide variant.
Coding change: c.783T>C on transcript NM_003244.4 (MANE Select); coding-DNA position 783, T replaced by C.
Protein change: p.Ala261=; no amino-acid change (alanine 261 retained).
Molecular consequence: synonymous variant.
Genome position (GRCh38, 1-based): chr18:3,457,904, T>C. VCF-style: chr18-3457904-T-C. GRCh37 (hg19) VCF-style: chr18-3457902-T-C.
Other names: c.723T>C, p.Ala241= (NM_001374396.1, NM_001374397.1, NM_170695.5 and 5 more transcripts); c.825T>C, p.Ala275= (NM_173207.4); c.783T>C, p.Ala261= (NM_173208.3, NM_001278684.2); c.792T>C, p.Ala264= (NM_001278682.2).
Identifiers: ClinVar variation 3771931 (VCV003771931.13).
Genomic context (GRCh38, chr18:3,457,904, plus strand): 5'-GGACCTCAACCAGGACTTCAGTGGATTTCAGCTTCTAGTGGATGTTGCACTCAAACGGGC[T>C]GCAGAGATGGAGCTTCAGGCAAAACTTACAGCTTAACCCATTTTCAAGCAAAACAGTTCT-3'
Protein context (NP_003235.1, residues 251-271): QLLVDVALKR[Ala261=]AEMELQAKLT